The following is an entry in ClinVar:

ClinVar aggregate classification (germline): Uncertain significance. Review status: criteria provided, multiple submitters, no conflicts (2 of 4 stars). 2 submissions from 2 submitters: Uncertain significance (2). Last evaluated 2024-01-11.

Allele frequency attached by ClinVar (database versions not stated): gnomAD exomes below 0.00001 and 0.00001; ExAC 0.00001.
gnomAD v4.1: 2 of 1,613,276 alleles (0.00012%); highest among the groups gnomAD compares: Admixed American, 0.0033%; no homozygotes.

Submissions (2):

Ambry Genetics
Classification: Uncertain significance. Last evaluated: 2024-01-11. Review status: criteria provided, single submitter. Criteria: Ambry Variant Classification Scheme 2023. Collection method: clinical testing. Allele origin: germline.
Comment: The p.A773V variant (also known as c.2318C>T), located in coding exon 15 of the RINT1 gene, results from a C to T substitution at nucleotide position 2318. The alanine at codon 773 is replaced by valine, an amino acid with similar properties. This amino acid position is highly conserved in available vertebrate species. In addition, the in silico prediction for this alteration is inconclusive. Since supporting evidence is limited at this time, the clinical significance of this alteration remains unclear.

Labcorp Genetics (formerly Invitae), Labcorp
Classification: Uncertain significance. Last evaluated: 2019-10-25. Review status: criteria provided, single submitter. Criteria: Invitae Variant Classification Sherloc (09022015). Collection method: clinical testing. Allele origin: germline.
Comment: This variant is present in population databases (rs754448407, ExAC 0.009%). This sequence change replaces alanine with valine at codon 773 of the RINT1 protein (p.Ala773Val). The alanine residue is moderately conserved and there is a small physicochemical difference between alanine and valine. This variant has not been reported in the literature in individuals with RINT1-related conditions. In summary, the available evidence is currently insufficient to determine the role of this variant in disease. Therefore, it has been classified as a Variant of Uncertain Significance. Algorithms developed to predict the effect of missense changes on protein structure and function (SIFT, PolyPhen-2, Align-GVGD) all suggest that this variant is likely to be tolerated, but these predictions have not been confirmed by published functional studies and their clinical significance is uncertain.

NM_021930.6(RINT1):c.2318C>T (p.Ala773Val)

Genes: EFCAB10 (EF-hand calcium binding domain 10; minus strand), RINT1 (RAD50 interactor 1; plus strand). Cytogenetic location: 7q22.3.
Variant type: single nucleotide variant.
Coding change: c.2318C>T on transcript NM_021930.6 (MANE Select); coding-DNA position 2318, C replaced by T.
Protein change: p.Ala773Val; replaces alanine 773 with valine.
Molecular consequence: missense variant. On other transcripts: 3 prime UTR variant (2), non-coding transcript variant (1), intron variant (3).
Genome position (GRCh38, 1-based): chr7:105,567,250, C>T. VCF-style: chr7-105567250-C-T. GRCh37 (hg19) VCF-style: chr7-105207697-C-T.
Other names: c.*204G>A (NM_001355527.2, NM_001355529.2); c.2084C>T, p.Ala695Val (NM_001346599.2); c.1295C>T, p.Ala432Val (NM_001346600.2, NM_001346603.2); c.1394C>T, p.Ala465Val (NM_001346601.2); c.360-1803G>A (NM_001355531.2); c.383+217G>A (NM_001355526.2, NM_001355530.2); short protein forms A773V, A432V, A465V, A695V.
Identifiers: ClinVar variation 959168 (VCV000959168.12), dbSNP rs754448407, ClinGen allele CA4426933.